The following is an entry in ClinVar:

ClinVar aggregate classification (germline): Uncertain significance. Review status: criteria provided, multiple submitters, no conflicts (2 of 4 stars). 2 submissions from 2 submitters: Uncertain significance (2). Last evaluated 2025-07-11.

Conditions:
Inborn genetic diseases. Identifiers: MedGen C0950123, MeSH D030342.

Submissions (2):

GeneDx
Classification: Uncertain significance. Last evaluated: 2025-07-11. Review status: criteria provided, single submitter. Criteria: GeneDx Variant Classification Process June 2021. Collection method: clinical testing. Allele origin: germline. Affected: yes.
Comment: Not observed at significant frequency in large population cohorts (gnomAD); In silico analysis suggests that this missense variant does not alter protein structure/function; Has not been previously published as pathogenic or benign to our knowledge

Ambry Genetics
Classification: Uncertain significance for Inborn genetic diseases. Last evaluated: 2024-03-01. Review status: criteria provided, single submitter. Criteria: Ambry Variant Classification Scheme 2023. Collection method: clinical testing. Allele origin: germline.
Comment: The p.I2511V variant (also known as c.7531A>G), located in coding exon 51 of the LRRK2 gene, results from an A to G substitution at nucleotide position 7531. The isoleucine at codon 2511 is replaced by valine, an amino acid with highly similar properties. This amino acid position is conserved. In addition, this alteration is predicted to be tolerated by in silico analysis. Based on the available evidence, the clinical significance of this alteration remains unclear.

NM_198578.4(LRRK2):c.7531A>G (p.Ile2511Val)

Gene: LRRK2 (leucine rich repeat kinase 2; plus strand). Cytogenetic location: 12q12.
Variant type: single nucleotide variant.
Coding change: c.7531A>G on transcript NM_198578.4 (MANE Select); coding-DNA position 7531, A replaced by G.
Protein change: p.Ile2511Val; replaces isoleucine 2511 with valine.
Molecular consequence: missense variant.
Genome position (GRCh38, 1-based): chr12:40,367,712, A>G. VCF-style: chr12-40367712-A-G. GRCh37 (hg19) VCF-style: chr12-40761514-A-G.
Other names: short protein forms I2511V.
Identifiers: ClinVar variation 3229798 (VCV003229798.2), dbSNP rs2500066178, ClinGen allele CA384416172.